The following is an entry in ClinVar:

ClinVar aggregate classification (germline): Uncertain significance. Review status: criteria provided, single submitter (1 of 4 stars). 2 submissions from 2 submitters: Uncertain significance (1). 1 of the submissions does not count toward it. Last evaluated 2022-06-22.

Conditions:
Metaphyseal chondrodysplasia, McKusick type (CHH). Also called: Cartilage-Hair Hypoplasia (CHH); Cartilage-hair hypoplasia. Identifiers: Orphanet 175, MedGen C0220748, MONDO:0009595, OMIM 250250.
Anauxetic dysplasia. Identifiers: Orphanet 93347, MedGen C1846796, MONDO:0011773.

Submissions (2):

Labcorp Genetics (formerly Invitae), Labcorp
Classification: Uncertain significance for Anauxetic dysplasia. Last evaluated: 2022-06-22. Review status: criteria provided, single submitter. Criteria: Invitae Variant Classification Sherloc (09022015). Collection method: clinical testing. Allele origin: germline.
Comment: This variant occurs in the RMRP gene, which encodes an RNA molecule that does not result in a protein product. This variant is not present in population databases (gnomAD no frequency). This variant has not been reported in the literature in individuals affected with RMRP-related conditions. Experimental studies and prediction algorithms are not available or were not evaluated, and the functional significance of this variant is currently unknown. In summary, the available evidence is currently insufficient to determine the role of this variant in disease. Therefore, it has been classified as a Variant of Uncertain Significance.

Counsyl
Classification: Uncertain significance for Metaphyseal chondrodysplasia, McKusick type. Last evaluated: 2017-08-25. Review status: no assertion criteria provided. Collection method: clinical testing. Allele origin: unknown. Not counted in ClinVar's aggregate classification.

NC_000009.12:g.35658071del

Gene: RMRP (RNA component of mitochondrial RNA processing endoribonuclease; minus strand). Cytogenetic location: 9p13.3.
Variant type: Deletion.
Genome position: GRCh38 VCF-style: chr9-35658067-GT-G. GRCh37 (hg19) VCF-style: chr9-35658064-GT-G.
Identifiers: ClinVar variation 553459 (VCV000553459.4), dbSNP rs1168028338, ClinGen allele CA587570279.